The following is an entry in ClinVar:

ClinVar aggregate classification (germline): Likely benign (0 of 4 stars; one submission).

Conditions:
KANK4-related disorder. Also called: KANK4-related condition.

gnomAD v4.1: 7 of 1,613,802 alleles (0.00043%); highest among the groups gnomAD compares: South Asian, 0.0011%; no homozygotes.

Submission:

PreventionGenetics, part of Exact Sciences
Classification: Likely benign for KANK4-related condition. Last evaluated: 2022-04-13. Review status: no assertion criteria provided. Collection method: clinical testing. Allele origin: germline.
Comment: This variant is classified as likely benign based on ACMG/AMP sequence variant interpretation guidelines (Richards et al. 2015 PMID: 25741868, with internal and published modifications).

NM_181712.5(KANK4):c.2460C>G (p.Ala820=)

Gene: KANK4 (KN motif and ankyrin repeat domains 4; minus strand). Cytogenetic location: 1p31.3.
Variant type: single nucleotide variant.
Coding change: c.2460C>G on transcript NM_181712.5 (MANE Select); coding-DNA position 2460, C replaced by G.
Protein change: p.Ala820=; no amino-acid change (alanine 820 retained).
Molecular consequence: synonymous variant.
Genome position (GRCh38, 1-based): chr1:62,263,171, G>C on the plus strand (C>G on the coding strand, the complement: KANK4 is on the minus strand). VCF-style: chr1-62263171-G-C. GRCh37 (hg19) VCF-style: chr1-62728843-G-C.
Other names: c.576C>G, p.Ala192= (NM_001320269.2).
Identifiers: ClinVar variation 3032930 (VCV003032930.2), dbSNP rs201319484, ClinGen allele CA417996938.